The following is an entry in ClinVar:

NM_134444.5(NLRP4):c.1856+50C>T

Gene: NLRP4 (NLR family pyrin domain containing 4; plus strand). Cytogenetic location: 19q13.43.
Variant type: single nucleotide variant.
Coding change: c.1856+50C>T on transcript NM_134444.5 (MANE Select); 50 bases into the intron after coding-DNA position 1856, C replaced by T.
Molecular consequence: intron variant.
Genome position (GRCh38, 1-based): chr19:55,859,299, C>T. VCF-style: chr19-55859299-C-T. GRCh37 (hg19) VCF-style: chr19-56370665-C-T.
Identifiers: ClinVar variation 103218 (VCV000103218.2), dbSNP rs199475747, ClinGen allele CA230272.

ClinVar aggregate classification (germline): not provided (0 of 4 stars; one submission).

Allele frequency attached by ClinVar (database versions not stated): gnomAD exomes 0.00008 and 0.00031; 1000 Genomes Project 30x 0.00094; ESP Exome Variant Server 0.00095; TOPMed 0.00109; gnomAD 0.00111; 1000 Genomes Project 0.00120.
gnomAD v4.1: 286 of 1,479,912 alleles (0.019%); highest among the groups gnomAD compares: African/African-American, 0.36%; 1 homozygote.

Submission:

Human Evolutionary Genetics, Institut Pasteur
No classification provided. Review status: no classification provided. Collection method: not provided. Allele origin: germline.
ClinVar note: Converted during submission from untested to not provided.